The following is an entry in ClinVar:

NM_002778.4(PSAP):c.610A>T (p.Met204Leu)

Gene: PSAP (prosaposin; minus strand). Cytogenetic location: 10q22.1.
Variant type: single nucleotide variant.
Coding change: c.610A>T on transcript NM_002778.4 (MANE Select); coding-DNA position 610, A replaced by T.
Protein change: p.Met204Leu; replaces methionine 204 with leucine.
Molecular consequence: missense variant.
Genome position (GRCh38, 1-based): chr10:71,828,124, T>A on the plus strand (A>T on the coding strand, the complement: PSAP is on the minus strand). VCF-style: chr10-71828124-T-A. GRCh37 (hg19) VCF-style: chr10-73587881-T-A.
Other names: c.610A>T, p.Met204Leu (NM_001042465.3, NM_001042466.3); short protein forms M204L.
Identifiers: ClinVar variation 1445614 (VCV001445614.8), dbSNP rs1842430461, ClinGen allele CA377151519.

ClinVar aggregate classification (germline): Uncertain significance (1 of 4 stars; one submission).

Conditions:
Sphingolipid activator protein 1 deficiency. Also called: Saposin B Deficiency; Metachromatic leukodystrophy due to saposin B deficiency; METACHROMATIC LEUKODYSTROPHY DUE TO CEREBROSIDE SULFATASE ACTIVATOR DEFICIENCY. Identifiers: Orphanet 512, MedGen C0268262, MONDO:0009590, OMIM 249900.

Allele frequency attached by ClinVar (database versions not stated): gnomAD exomes below 0.00001.
gnomAD v4.1: 1 of 1,614,166 alleles (0.000062%); highest among the groups gnomAD compares: South Asian, 0.0011%; no homozygotes.

Submission:

Labcorp Genetics (formerly Invitae), Labcorp
Classification: Uncertain significance for Sphingolipid activator protein 1 deficiency. Last evaluated: 2022-06-13. Review status: criteria provided, single submitter. Criteria: Invitae Variant Classification Sherloc (09022015). Collection method: clinical testing. Allele origin: germline.
Comment: In summary, the available evidence is currently insufficient to determine the role of this variant in disease. Therefore, it has been classified as a Variant of Uncertain Significance. Algorithms developed to predict the effect of missense changes on protein structure and function output the following: SIFT: "Not Available"; PolyPhen-2: "Benign"; Align-GVGD: "Not Available". The leucine amino acid residue is found in multiple mammalian species, which suggests that this missense change does not adversely affect protein function. This variant has not been reported in the literature in individuals affected with PSAP-related conditions. This variant is not present in population databases (gnomAD no frequency). This sequence change replaces methionine with leucine at codon 204 of the PSAP protein (p.Met204Leu). The methionine residue is weakly conserved and there is a small physicochemical difference between methionine and leucine.